The following is an entry in ClinVar:

ClinVar aggregate classification (germline): Uncertain significance (1 of 4 stars; one submission).

Allele frequency attached by ClinVar (database versions not stated): gnomAD exomes below 0.00001; gnomAD 0.00001; TOPMed 0.00001.
gnomAD v4.1: 2 of 1,209,751 alleles (0.00017%); highest among the groups gnomAD compares: African/African-American, 0.0035%; no homozygotes.

Submission:

Labcorp Genetics (formerly Invitae), Labcorp
Classification: Uncertain significance. Last evaluated: 2023-07-21. Review status: criteria provided, single submitter. Criteria: Invitae Variant Classification Sherloc (09022015). Collection method: clinical testing. Allele origin: germline.
Comment: In summary, the available evidence is currently insufficient to determine the role of this variant in disease. Therefore, it has been classified as a Variant of Uncertain Significance. Advanced modeling of protein sequence and biophysical properties (such as structural, functional, and spatial information, amino acid conservation, physicochemical variation, residue mobility, and thermodynamic stability) performed at Invitae indicates that this missense variant is not expected to disrupt MID1 protein function. This variant has not been reported in the literature in individuals affected with MID1-related conditions. This variant is not present in population databases (gnomAD no frequency). This sequence change replaces isoleucine, which is neutral and non-polar, with valine, which is neutral and non-polar, at codon 624 of the MID1 protein (p.Ile624Val).

NM_000381.4(MID1):c.1870A>G (p.Ile624Val)

Genes: MID1 (midline 1; minus strand), LOC126863207 (BRD4-independent group 4 enhancer GRCh37_chrX:10416979-10418178; plus strand). Cytogenetic location: Xp22.2.
Variant type: single nucleotide variant.
Coding change: c.1870A>G on transcript NM_000381.4 (MANE Select); coding-DNA position 1870, A replaced by G.
Protein change: p.Ile624Val; replaces isoleucine 624 with valine.
Molecular consequence: missense variant.
Genome position (GRCh38, 1-based): chrX:10,449,502, T>C on the plus strand (A>G on the coding strand, the complement: MID1 is on the minus strand). VCF-style: chrX-10449502-T-C. GRCh37 (hg19) VCF-style: chrX-10417542-T-C.
Other names: c.1870A>G, p.Ile624Val (NM_001098624.2, NM_001193277.1, NM_001347733.2 and 1 more transcripts); c.1756A>G, p.Ile586Val (NM_033289.2); short protein forms I624V, I586V.
Identifiers: ClinVar variation 2745763 (VCV002745763.3), dbSNP rs1928191968, ClinGen allele CA412049972.